The following is an entry in ClinVar:

ClinVar aggregate classification (germline): Likely benign. Review status: criteria provided, single submitter (1 of 4 stars). 2 submissions from 2 submitters: Likely benign (1). 1 of the submissions does not count toward it. Last evaluated 2025-12-06.

Conditions:
CPT1C-related disorder. Also called: CPT1C-related condition.
Hereditary spastic paraplegia 73. Also called: Spastic paraplegia 73, autosomal dominant. Identifiers: Orphanet 444099, MedGen C5568981, MONDO:0014568, OMIM 616282.

Allele frequency attached by ClinVar (database versions not stated): 1000 Genomes Project 0.00040; TOPMed 0.00045; gnomAD exomes 0.00048; gnomAD 0.00049 and 0.00050; ExAC 0.00059; 1000 Genomes Project 30x 0.00062; ESP Exome Variant Server 0.00092.
gnomAD v4.1: 918 of 1,608,394 alleles (0.057%); highest among the groups gnomAD compares: Non-Finnish European, 0.073%; 2 homozygotes.

Submissions (2):

Labcorp Genetics (formerly Invitae), Labcorp
Classification: Likely benign for Hereditary spastic paraplegia 73. Last evaluated: 2025-12-06. Review status: criteria provided, single submitter. Criteria: Invitae Variant Classification Sherloc (09022015). Collection method: clinical testing. Allele origin: germline.

PreventionGenetics, part of Exact Sciences
Classification: Likely benign for CPT1C-related condition. Last evaluated: 2019-04-29. Review status: no assertion criteria provided. Collection method: clinical testing. Allele origin: germline. Not counted in ClinVar's aggregate classification.
Comment: This variant is classified as likely benign based on ACMG/AMP sequence variant interpretation guidelines (Richards et al. 2015 PMID: 25741868, with internal and published modifications).

NM_001199753.2(CPT1C):c.288A>C (p.Gly96=)

Gene: CPT1C (carnitine palmitoyltransferase 1C; plus strand). Cytogenetic location: 19q13.33.
Variant type: single nucleotide variant.
Coding change: c.288A>C on transcript NM_001199753.2 (MANE Select); coding-DNA position 288, A replaced by C.
Protein change: p.Gly96=; no amino-acid change (glycine 96 retained).
Molecular consequence: synonymous variant. On other transcripts: non-coding transcript variant (1).
Genome position (GRCh38, 1-based): chr19:49,700,690, A>C. VCF-style: chr19-49700690-A-C. GRCh37 (hg19) VCF-style: chr19-50203947-A-C.
Other names: c.288A>C, p.Gly96= (NM_001136052.3, NM_001199752.3, NM_001378482.1 and 7 more transcripts).
Identifiers: ClinVar variation 704901 (VCV000704901.9), dbSNP rs140411644, ClinGen allele CA9581747.
Genomic context (GRCh38, chr19:49,700,690, plus strand): 5'-GGGAGGTTCTGAGGCCAGGAGACCCAGGCCCAGCCTCTGTTTCTCTCCCCGCAGGGGTGG[A>C]CAACACCACGGGCTCCGGGGGGTCCTGGCAGCCGCGCTGTTTGCCTCGTGTTTGTGGGGA-3'
Protein context (NP_001186682.1, residues 86-106): KIKELLPDWG[Gly96=]QHHGLRGVLA